The following is an entry in ClinVar:

NM_006231.4(POLE):c.1486G>T (p.Gly496Cys)

Gene: POLE (DNA polymerase epsilon, catalytic subunit; minus strand). Cytogenetic location: 12q24.33.
Variant type: single nucleotide variant.
Coding change: c.1486G>T on transcript NM_006231.4 (MANE Select); coding-DNA position 1486, G replaced by T.
Protein change: p.Gly496Cys; replaces glycine 496 with cysteine.
Molecular consequence: missense variant.
Genome position (GRCh38, 1-based): chr12:132,672,827, C>A on the plus strand (G>T on the coding strand, the complement: POLE is on the minus strand). VCF-style: chr12-132672827-C-A. GRCh37 (hg19) VCF-style: chr12-133249413-C-A.
Other names: short protein forms G496C.
Identifiers: ClinVar variation 2893393 (VCV002893393.3), dbSNP rs2542136737, ClinGen allele CA387357728.

ClinVar aggregate classification (germline): Uncertain significance (1 of 4 stars; one submission).

Submission:

Labcorp Genetics (formerly Invitae), Labcorp
Classification: Uncertain significance. Last evaluated: 2024-01-05. Review status: criteria provided, single submitter. Criteria: Invitae Variant Classification Sherloc (09022015). Collection method: clinical testing. Allele origin: germline.
Comment: This sequence change replaces glycine, which is neutral and non-polar, with cysteine, which is neutral and slightly polar, at codon 496 of the POLE protein (p.Gly496Cys). This variant is not present in population databases (gnomAD no frequency). This variant has not been reported in the literature in individuals affected with POLE-related conditions. Advanced modeling of protein sequence and biophysical properties (such as structural, functional, and spatial information, amino acid conservation, physicochemical variation, residue mobility, and thermodynamic stability) performed at Invitae indicates that this missense variant is expected to disrupt POLE protein function with a positive predictive value of 80%. In summary, the available evidence is currently insufficient to determine the role of this variant in disease. Therefore, it has been classified as a Variant of Uncertain Significance.